The following is an entry in ClinVar:

ClinVar aggregate classification (germline): Pathogenic/Likely pathogenic. Review status: criteria provided, multiple submitters, no conflicts (2 of 4 stars). 13 submissions from 13 submitters: Pathogenic (10); Likely pathogenic (1). 2 of the submissions do not count toward it. Last evaluated 2026-07-15.

Conditions:
ABCG5-related disorder. Also called: ABCG5-related condition.
Sitosterolemia 2. Identifiers: MedGen C5231453, MONDO:0020748, OMIM 618666.
Cardiovascular phenotype. Identifiers: MedGen CN230736.
Type 2 diabetes mellitus. Also called: Type II diabetes mellitus. Identifiers: MedGen C0011860, MeSH D003924, MONDO:0005148, OMIM 125853, HP:0005978.
Sitosterolemia (STSL). Also called: PHYTOSTEROLEMIA. Identifiers: Orphanet 2882, MedGen C0342907, MONDO:0008863.

Allele frequency attached by ClinVar (database versions not stated): gnomAD exomes 0.00015 and 0.00006; 1000 Genomes Project 30x 0.00031; gnomAD 0.00010 and 0.00009; TOPMed 0.00010; ExAC 0.00015; 1000 Genomes Project 0.00020.
gnomAD v4.1: 98 of 1,614,180 alleles (0.0061%); highest among the groups gnomAD compares: East Asian, 0.16%; no homozygotes.

Submissions (13):

PreventionGenetics, part of Exact Sciences
Classification: Pathogenic for ABCG5-related condition. Last evaluated: 2026-07-15. Review status: criteria provided, single submitter. Criteria: ACMG Guidelines, 2015. Collection method: clinical testing. Allele origin: germline.
Comment: The ABCG5 c.1166G>A variant is predicted to result in the amino acid substitution p.Arg389His. This variant has been reported in multiple individuals with sitosterolemia and has been observed to segregate with disease in families (see, for example, Lee et al. 2001. PubMed ID: 11138003; Niu et al. 2010. PubMed ID: 20521169; Tada et al. 2015. PubMed ID: 25665839; Yagasaki et al. 2017. PubMed ID: 28771437; Pek et al. 2018. PubMed ID: 29353225; Reeskamp et al. 2020. PubMed ID: 32088153). This variant is reported in 0.21% of alleles in individuals of East Asian descent in gnomAD. This variant is interpreted as pathogenic.

Department of Cardiology, Mackay Memorial Hospital
Classification: Pathogenic for Sitosterolemia. Last evaluated: 2026-03-05. Review status: criteria provided, single submitter. Criteria: ACMG Guidelines, 2015. Collection method: clinical testing. Allele origin: germline. Affected: yes.
Comment: The ABCG5 c.1166G>A (p.Arg389His; rs119480069; Accession: VCV000004980.28) variant is a missense alteration in exon 9 and represents a well-established disease-causing variant associated with autosomal recessive sitosterolemia, particularly among individuals of Asian ancestry. It has been reported in multiple unrelated affected individuals and families in both homozygous and compound heterozygous states, with supportive segregation and trans observations. Functional studies have demonstrated that p.Arg389His impairs formation and intracellular trafficking of the ABCG5/ABCG8 heterodimer, providing direct evidence of a deleterious effect on transporter function. Computational analyses also support a damaging effect, and another pathogenic missense alteration affecting the same codon has been reported. Although the variant is detectable in population databases and is relatively enriched in East Asian populations, its frequency remains compatible with a recessively inherited disorder. Collectively, the extensive clinical, segregation, functional, and computational evidence supports classification of ABCG5 c.1166G>A (p.Arg389His) as pathogenic.

Labcorp Genetics (formerly Invitae), Labcorp
Classification: Pathogenic for Sitosterolemia. Last evaluated: 2026-01-09. Review status: criteria provided, single submitter. Criteria: Invitae Variant Classification Sherloc (09022015). Collection method: clinical testing. Allele origin: germline.
Comment: This sequence change replaces arginine, which is basic and polar, with histidine, which is basic and polar, at codon 389 of the ABCG5 protein (p.Arg389His). This variant is present in population databases (rs119480069, gnomAD 0.2%). This missense change has been observed in individual(s) with sitosterolemia (PMID: 11138003, 15375183, 20521169, 20543520, 25665839, 28203044, 28771437, 30985648, 31060161). In at least one individual the data is consistent with being in trans (on the opposite chromosome) from a pathogenic variant. It is commonly reported in individuals of Asian ancestry (PMID: 15375183, 30985648). ClinVar contains an entry for this variant (Variation ID: 4980). An algorithm developed to predict the effect of missense changes on protein structure and function (PolyPhen-2) suggests that this variant is likely to be disruptive. For these reasons, this variant has been classified as Pathogenic.

3billion
Classification: Pathogenic for Sitosterolemia 2. Last evaluated: 2025-09-25. Review status: criteria provided, single submitter. Criteria: ACMG Guidelines, 2015. Collection method: clinical testing. Allele origin: germline. Affected: yes.
Comment: The variant is observed at an extremely low frequency in the gnomAD v4.1.0 dataset (total allele frequency: 0.006%). Predicted Consequence/Location: Missense variant. The majority of the known disease-causing variants of this gene are variants expected to result in premature termination of the protein. In silico tool predictions suggest damaging effect of the variant on gene or gene product [REVEL: 0.65 (>=0.6, sensitivity 0.68 and specificity 0.92)]. The same nucleotide change resulting in the same amino acid change has been previously reported as pathogenic/likely pathogenic with strong evidence (ClinVar ID: VCV000004980 /PMID: 11138003). The variant has been reported to be in trans with a pathogenic variant as either compound heterozygous or homozygous in at least one similarly affected unrelated individual (PMID: 11138003). A different missense change at the same codon (p.Arg389Cys) has been reported to be associated with ABCG5-related disorder (PMID: 35549507). Therefore, this variant is classified as Pathogenic according to the recommendation of ACMG/AMP guideline.

Mayo Clinic Laboratories, Mayo Clinic
Classification: Pathogenic. Last evaluated: 2025-08-15. Review status: criteria provided, single submitter. Criteria: ACMG Guidelines, 2015. Collection method: clinical testing. Allele origin: germline. Observed: 3 variant alleles.
Comment: PP1_strong, PM3_strong, PS3_supporting

Ambry Genetics
Classification: Pathogenic for Cardiovascular phenotype. Last evaluated: 2024-09-05. Review status: criteria provided, single submitter. Criteria: Ambry Variant Classification Scheme 2023. Collection method: clinical testing. Allele origin: germline.
Comment: The p.R389H pathogenic mutation (also known as c.1166G>A), located in coding exon 9 of the ABCG5 gene, results from a G to A substitution at nucleotide position 1166. The arginine at codon 389 is replaced by histidine, an amino acid with highly similar properties. This variant has been reported in the homozygous and compound heterozygous states in several individuals and families affected with sitosterolemia, being reported as a common cause of disease in Asian populations (Lee MH et al. Nat Genet, 2001 Jan;27:79-83; Wang J et al. J Lipid Res, 2004 Dec;45:2361-7; Niu DM et al. J Inherit Metab Dis, 2010 Aug;33:437-43; Tada H et al. JIMD Rep, 2015 Feb;21:115-22; Ono S et al. Clin Pediatr Endocrinol, 2017 Jan;26:17-23; Yagasaki H et al. J Pediatr Endocrinol Metab, 2017 Aug;30:1007-1011; Huang D et al. Medicine (Baltimore), 2019 Apr;98:e15013; Nomura A et al. Circ Genom Precis Med, 2020 10;13:417-423; Yamada Y et al. CJC Open, 2021 Aug;3:1085-1088). An in vitro study suggested this alteration may impact protein function (Graf GA et al. J Biol Chem, 2004 Jun;279:24881-8). In addition, this alteration is predicted to be deleterious by in silico analysis. Based on the supporting evidence, this variant is interpreted as a disease-causing mutation.

Cardiovascular Genetics Laboratory, PathWest Laboratory Medicine WA - Fiona Stanley Hospital
Classification: Pathogenic for Sitosterolemia 2. Last evaluated: 2024-07-24. Review status: criteria provided, single submitter. Criteria: ACMG Guidelines, 2015. Collection method: clinical testing. Allele origin: germline.
Comment: The ABCG5 p.Arg389His missense variant has been reported as a common cause of sitosterolaemia in individuals of Asian ancestry. Functional studies demonstrated that ABCG5 p.Arg389His interferes with the formation of the ABCG5/8 heterodimer, preventing trafficking of the transporter out of the ER (PMID:15054092).

Blueprint Genetics
Classification: Pathogenic for ABCG5-related disorders. Last evaluated: 2024-02-13. Review status: criteria provided, single submitter. Criteria: ACMG Guidelines, 2015. Collection method: clinical testing. Allele origin: germline. Affected: yes. Observed: 5 variant alleles.

Revvity Omics, Revvity
Classification: Pathogenic for Sitosterolemia 2. Last evaluated: 2022-06-30. Review status: criteria provided, single submitter. Criteria: ACMG Guidelines, 2015. Collection method: clinical testing. Allele origin: germline.

AiLife Diagnostics
Classification: Likely pathogenic. Last evaluated: 2022-02-08. Review status: criteria provided, single submitter. Criteria: ACMG Guidelines, 2015. Collection method: clinical testing. Allele origin: germline. Affected: yes. Observed: 3 variant alleles.

Juno Genomics, Hangzhou Juno Genomics, Inc
Classification: Pathogenic for Sitosterolemia 2. Review status: criteria provided, single submitter. Criteria: ACMG Guidelines, 2015. Collection method: clinical testing. Allele origin: germline.
Comment: Co-segregation with disease in multiple affected family members.;Multiple lines of computational evidence support a deleterious effect on the gene or gene product.;For recessive disorders, detected in trans with a pathogenic variant.

Gene Friend Way, National Innovation Center
Classification: Likely pathogenic for Type 2 diabetes mellitus. Last evaluated: 2025-01-01. Review status: no assertion criteria provided. Collection method: clinical testing. Allele origin: unknown. Affected: yes. Observed: 1 variant allele. Not counted in ClinVar's aggregate classification.
Comment: In silico analysis showed that this variant was likely to be disruptive. ABCG5 polymorphism has been identified as risk factors for diabetes (PMID: 26088706). Studies also found mutations in ABCG5 associated with hyperglycemia (PMID: 35999587).

OMIM
Classification: Pathogenic for SITOSTEROLEMIA 2. Last evaluated: 2019-11-19. Review status: no assertion criteria provided. Collection method: literature only. Allele origin: germline. Not counted in ClinVar's aggregate classification.

Literature cited by the submitters: PubMed 11138003 (cited by 6 submitters); PubMed 15054092 (cited by 4 submitters); PubMed 15375183 (cited by 3 submitters); PubMed 20521169 (cited by 5 submitters); PubMed 20543520 (cited by 4 submitters); PubMed 25665839 (cited by 5 submitters); PubMed 28203044 (cited by 4 submitters); PubMed 28771437 (cited by 5 submitters); PubMed 29353225 (cited by 4 submitters); PubMed 30007774 (cited by 4 submitters); PubMed 30985648 (cited by 4 submitters); PubMed 31060161 (cited by 3 submitters); PubMed 31901240 (cited by Department of Cardiology, Mackay Memorial Hospital and Ambry Genetics); PubMed 32088153 (cited by 4 submitters); PubMed 32862661 (cited by 3 submitters); PubMed 33217533 (cited by Department of Cardiology, Mackay Memorial Hospital and Ambry Genetics); PubMed 33642439 (cited by Department of Cardiology, Mackay Memorial Hospital and Ambry Genetics); PubMed 34505049 (cited by Department of Cardiology, Mackay Memorial Hospital and Ambry Genetics); PubMed 36229885 (cited by Department of Cardiology, Mackay Memorial Hospital and Ambry Genetics); PubMed 35549507 (cited by 3billion); PubMed 32275988 (cited by Mayo Clinic Laboratories, Mayo Clinic); PubMed 26088706 (cited by Gene Friend Way, National Innovation Center); PubMed 35999587 (cited by Gene Friend Way, National Innovation Center); PubMed 11907139 (cited by OMIM).

NM_022436.3(ABCG5):c.1166G>A (p.Arg389His)

Genes: ABCG5 (ATP binding cassette subfamily G member 5; minus strand), DYNC2LI1 (dynein cytoplasmic 2 light intermediate chain 1; plus strand). Cytogenetic location: 2p21.
Variant type: single nucleotide variant.
Coding change: c.1166G>A on transcript NM_022436.3 (MANE Select); coding-DNA position 1166, G replaced by A.
Protein change: p.Arg389His; replaces arginine 389 with histidine.
Molecular consequence: missense variant. On other transcripts: intron variant (2).
Genome position (GRCh38, 1-based): chr2:43,824,071, C>T on the plus strand (G>A on the coding strand, the complement: ABCG5 is on the minus strand). VCF-style: chr2-43824071-C-T. GRCh37 (hg19) VCF-style: chr2-44051210-C-T.
Other names: c.*16-3315C>T (NM_001348913.2, NM_001348912.2); short protein forms R389H.
Identifiers: ClinVar variation 4980 (VCV000004980.32), dbSNP rs119480069, ClinGen allele CA253376.